The following is an entry in ClinVar:

NM_003906.5(MCM3AP):c.5634-1G>C

Genes: MCM3AP (minichromosome maintenance complex component 3 associated protein; minus strand), MCM3AP-AS1 (MCM3AP antisense RNA 1; plus strand). Cytogenetic location: 21q22.3.
Variant type: single nucleotide variant.
Coding change: c.5634-1G>C on transcript NM_003906.5 (MANE Select); the canonical splice acceptor site of the intron before coding-DNA position 5634, G replaced by C.
Molecular consequence: splice acceptor variant.
Genome position (GRCh38, 1-based): chr21:46,236,980, C>G on the plus strand (G>C on the coding strand, the complement: MCM3AP is on the minus strand). VCF-style: chr21-46236980-C-G. GRCh37 (hg19) VCF-style: chr21-47656894-C-G.
Identifiers: ClinVar variation 3655814 (VCV003655814.2).

ClinVar aggregate classification (germline): Likely pathogenic (1 of 4 stars; one submission).

Submission:

Labcorp Genetics (formerly Invitae), Labcorp
Classification: Likely pathogenic. Last evaluated: 2024-07-08. Review status: criteria provided, single submitter. Criteria: Invitae Variant Classification Sherloc (09022015). Collection method: clinical testing. Allele origin: germline.
Comment: This sequence change affects an acceptor splice site in intron 26 of the MCM3AP gene. RNA analysis indicates that disruption of this splice site induces altered splicing and may result in an absent or disrupted protein product. This variant is not present in population databases (gnomAD no frequency). Disruption of this splice site has been observed in individual(s) with MCM3AP-related conditions (PMID: 32319184). Studies have shown that disruption of this splice site results in a splicing defect and introduces a premature termination codon (PMID: 32319184). The resulting mRNA is expected to undergo nonsense-mediated decay. In summary, the currently available evidence indicates that the variant is pathogenic, but additional data are needed to prove that conclusively. Therefore, this variant has been classified as Likely Pathogenic.

Literature cited by the submitters: PubMed 32319184.